The following is an entry in ClinVar:

NM_000553.6(WRN):c.3259A>G (p.Lys1087Glu)

Gene: WRN (WRN RecQ like helicase; plus strand). Cytogenetic location: 8p12.
Variant type: single nucleotide variant.
Coding change: c.3259A>G on transcript NM_000553.6 (MANE Select); coding-DNA position 3259, A replaced by G.
Protein change: p.Lys1087Glu; replaces lysine 1087 with glutamic acid.
Molecular consequence: missense variant.
Genome position (GRCh38, 1-based): chr8:31,142,651, A>G. VCF-style: chr8-31142651-A-G. GRCh37 (hg19) VCF-style: chr8-31000167-A-G.
Other names: short protein forms K1087E.
Identifiers: ClinVar variation 238150 (VCV000238150.31), dbSNP rs374154973, ClinGen allele CA4704995.
Genomic context (GRCh38, chr8:31,142,651, plus strand): 5'-AACATTTGAAATAATTTAATTTTATTATTTTTTAGTTCGAAAACTGTATCTTCGGGCACC[A>G]AAGAGCATTGTTATAATCAAGTACCAGTTGAATTAAGTACAGAGAAGAAGGTTTGTTTTA-3'
Protein context (NP_000544.2, residues 1077-1097): PSSKTVSSGT[Lys1087Glu]EHCYNQVPVE

ClinVar aggregate classification (germline): Conflicting classifications of pathogenicity. Review status: criteria provided, conflicting classifications (1 of 4 stars). 6 submissions from 6 submitters: Uncertain significance (2); Likely benign (2). 2 of the submissions do not count toward it. Last evaluated 2026-01-24.

Conditions:
WRN-related disorder. Also called: WRN-related condition.
Werner syndrome (WRN). Identifiers: Orphanet 902, MedGen C0043119, MONDO:0010196, OMIM 277700.

Allele frequency attached by ClinVar (database versions not stated): ExAC 0.00014; gnomAD exomes 0.00019 and 0.00058; ESP Exome Variant Server 0.00023; TOPMed 0.00026; gnomAD 0.00027 and 0.00028.
gnomAD v4.1: 868 of 1,603,318 alleles (0.054%); highest among the groups gnomAD compares: Non-Finnish European, 0.071%; 2 homozygotes.

Submissions (6):

Labcorp Genetics (formerly Invitae), Labcorp
Classification: Likely benign for Werner syndrome. Last evaluated: 2026-01-24. Review status: criteria provided, single submitter. Criteria: Invitae Variant Classification Sherloc (09022015). Collection method: clinical testing. Allele origin: germline.

CeGaT Center for Human Genetics Tuebingen
Classification: Likely benign. Last evaluated: 2024-10-01. Review status: criteria provided, single submitter. Criteria: CeGaT Center For Human Genetics Tuebingen Variant Classification Criteria Version 2. Collection method: clinical testing. Allele origin: germline. Affected: yes. Observed: 1 variant allele.
Comment: WRN: BP4

GeneDx
Classification: Uncertain significance. Last evaluated: 2021-05-17. Review status: criteria provided, single submitter. Criteria: GeneDx Variant Classification Process June 2021. Collection method: clinical testing. Allele origin: germline. Affected: yes.
Comment: In silico analysis supports that this missense variant does not alter protein structure/function; Has not been previously published as pathogenic or benign to our knowledge

Fulgent Genetics
Classification: Uncertain significance for Werner syndrome. Last evaluated: 2018-10-31. Review status: criteria provided, single submitter. Criteria: ACMG Guidelines, 2015. Collection method: clinical testing. Allele origin: unknown.

PreventionGenetics, part of Exact Sciences
Classification: Uncertain significance for WRN-related condition. Last evaluated: 2023-10-18. Review status: no assertion criteria provided. Collection method: clinical testing. Allele origin: germline. Not counted in ClinVar's aggregate classification.
Comment: The WRN c.3259A>G variant is predicted to result in the amino acid substitution p.Lys1087Glu. To our knowledge, this variant has not been reported in the literature. This variant is reported in 0.037% of alleles in individuals of European (Non-Finnish) descent in gnomAD, including one homozygous individual and has conflicting interpretations in ClinVar, ranging from uncertain significance to likely benign. At this time, the clinical significance of this variant is uncertain due to the absence of conclusive functional and genetic evidence.

Department of Pathology and Laboratory Medicine, Sinai Health System
Classification: Uncertain significance. Review status: no assertion criteria provided. Collection method: clinical testing. Allele origin: unknown. Affected: yes. Study: The Canadian Open Genetics Repository (COGR). Not counted in ClinVar's aggregate classification.
Comment: The WRN p.Lys1087Glu variant was not identified in the literature nor was it identified in Cosmic or LOVD 3.0. The variant was identified in dbSNP (ID: rs374154973) and ClinVar (classified as uncertain significance by Invitae and Fulgent Genetics for Werner syndrome). The variant was identified in control databases in 54 of 279522 chromosomes (1 homozygous) at a frequency of 0.0001932 (Genome Aggregation Database March 6, 2019, v2.1.1). The variant was observed in the following populations: European (non-Finnish) in 47 of 128198 chromosomes (freq: 0.000367), African in 4 of 24796 chromosomes (freq: 0.000161), Latino in 2 of 34780 chromosomes (freq: 0.000058) and South Asian in 1 of 29552 chromosomes (freq: 0.000034), but was not observed in the Ashkenazi Jewish, East Asian, European (Finnish), or Other populations. The p.Lys1087 residue is not conserved in mammals and computational analyses (PolyPhen-2, SIFT, AlignGVGD, BLOSUM, MutationTaster) do not suggest a high likelihood of impact to the protein; however, this information is not predictive enough to rule out pathogenicity. The variant occurs outside of the splicing consensus sequence and in silico or computational prediction software programs (SpliceSiteFinder, MaxEntScan, NNSPLICE, GeneSplicer) do not predict a difference in splicing. In summary, based on the above information the clinical significance of this variant cannot be determined with certainty at this time. This variant is classified as a variant of uncertain significance.